The following is an entry in ClinVar:

NM_002047.4(GARS1):c.770T>A (p.Leu257His)

Gene: GARS1 (glycyl-tRNA synthetase 1; plus strand). Cytogenetic location: 7p14.3.
Variant type: single nucleotide variant.
Coding change: c.770T>A on transcript NM_002047.4 (MANE Select); coding-DNA position 770, T replaced by A.
Protein change: p.Leu257His; replaces leucine 257 with histidine.
Molecular consequence: missense variant.
Genome position (GRCh38, 1-based): chr7:30,609,619, T>A. VCF-style: chr7-30609619-T-A. GRCh37 (hg19) VCF-style: chr7-30649235-T-A.
Other names: c.608T>A, p.Leu203His (NM_001316772.1); short protein forms L257H, L203H.
Identifiers: ClinVar variation 1948810 (VCV001948810.5), dbSNP rs369940947, ClinGen allele CA156048983.

ClinVar aggregate classification (germline): Uncertain significance (1 of 4 stars; one submission).

Conditions:
Charcot-Marie-Tooth disease type 2. Also called: Charcot-Marie-Tooth type 2. Identifiers: Orphanet 64746, MedGen C0270914, MONDO:0018993.

Allele frequency attached by ClinVar (database versions not stated): gnomAD exomes below 0.00001.
gnomAD v4.1: 5 of 1,613,388 alleles (0.00031%); highest among the groups gnomAD compares: Non-Finnish European, 0.00042%; no homozygotes.

Submission:

Labcorp Genetics (formerly Invitae), Labcorp
Classification: Uncertain significance for Charcot-Marie-Tooth disease type 2. Last evaluated: 2022-10-03. Review status: criteria provided, single submitter. Criteria: Invitae Variant Classification Sherloc (09022015). Collection method: clinical testing. Allele origin: germline.
Comment: In summary, the available evidence is currently insufficient to determine the role of this variant in disease. Therefore, it has been classified as a Variant of Uncertain Significance. Advanced modeling of protein sequence and biophysical properties (such as structural, functional, and spatial information, amino acid conservation, physicochemical variation, residue mobility, and thermodynamic stability) has been performed at Invitae for this missense variant, however the output from this modeling did not meet the statistical confidence thresholds required to predict the impact of this variant on GARS protein function. This variant has not been reported in the literature in individuals affected with GARS-related conditions. This variant is not present in population databases (gnomAD no frequency). This sequence change replaces leucine, which is neutral and non-polar, with histidine, which is basic and polar, at codon 257 of the GARS protein (p.Leu257His).